The following is an entry in ClinVar:

ClinVar aggregate classification (germline): Uncertain significance (1 of 4 stars; one submission).

Conditions:
Chromosome 2q32-q33 deletion syndrome (GLASS). Also called: 2q33.1 deletion syndrome; Glass syndrome. Identifiers: Orphanet 251019, MedGen C2676739, MONDO:0012864, OMIM 612313.

Submission:

Labcorp Genetics (formerly Invitae), Labcorp
Classification: Uncertain significance for Chromosome 2q32-q33 deletion syndrome. Last evaluated: 2025-03-10. Review status: criteria provided, single submitter. Criteria: Invitae Variant Classification Sherloc (09022015). Collection method: clinical testing. Allele origin: germline.
Comment: This sequence change replaces alanine, which is neutral and non-polar, with serine, which is neutral and polar, at codon 212 of the SATB2 protein (p.Ala212Ser). This variant is not present in population databases (gnomAD no frequency). This variant has not been reported in the literature in individuals affected with SATB2-related conditions. ClinVar contains an entry for this variant (Variation ID: 2995940). Invitae Evidence Modeling of protein sequence and biophysical properties (such as structural, functional, and spatial information, amino acid conservation, physicochemical variation, residue mobility, and thermodynamic stability) indicates that this missense variant is not expected to disrupt SATB2 protein function with a negative predictive value of 80%. In summary, the available evidence is currently insufficient to determine the role of this variant in disease. Therefore, it has been classified as a Variant of Uncertain Significance.

NM_001172509.2(SATB2):c.634G>T (p.Ala212Ser)

Gene: SATB2 (SATB homeobox 2; minus strand). Cytogenetic location: 2q33.1.
Variant type: single nucleotide variant.
Coding change: c.634G>T on transcript NM_001172509.2 (MANE Select); coding-DNA position 634, G replaced by T.
Protein change: p.Ala212Ser; replaces alanine 212 with serine.
Molecular consequence: missense variant.
Genome position (GRCh38, 1-based): chr2:199,368,671, C>A on the plus strand (G>T on the coding strand, the complement: SATB2 is on the minus strand). VCF-style: chr2-199368671-C-A. GRCh37 (hg19) VCF-style: chr2-200233394-C-A.
Other names: c.634G>T, p.Ala212Ser (NM_001172517.1, NM_015265.4); short protein forms A212S.
Identifiers: ClinVar variation 2995940 (VCV002995940.3), dbSNP rs2468928605, ClinGen allele CA350387499.